The following is an entry in ClinVar:

ClinVar aggregate classification (germline): Likely pathogenic (1 of 4 stars; one submission).

Conditions:
COG5-congenital disorder of glycosylation. Also called: CONGENITAL DISORDER OF GLYCOSYLATION, TYPE IIi; CDG IIi; COG5-CDG. Identifiers: Orphanet 263487, MedGen C3150876, MONDO:0013325, OMIM 613612.

Submission:

Labcorp Genetics (formerly Invitae), Labcorp
Classification: Likely pathogenic for COG5-congenital disorder of glycosylation. Last evaluated: 2023-04-12. Review status: criteria provided, single submitter. Criteria: Invitae Variant Classification Sherloc (09022015). Collection method: clinical testing. Allele origin: germline.
Comment: This sequence change affects an acceptor splice site in intron 5 of the COG5 gene. It is expected to disrupt RNA splicing. Variants that disrupt the donor or acceptor splice site typically lead to a loss of protein function (PMID: 16199547), and loss-of-function variants in COG5 are known to be pathogenic (PMID: 23228021). This variant is not present in population databases (gnomAD no frequency). This variant has not been reported in the literature in individuals affected with COG5-related conditions. Algorithms developed to predict the effect of sequence changes on RNA splicing suggest that this variant may disrupt the consensus splice site. In summary, the currently available evidence indicates that the variant is pathogenic, but additional data are needed to prove that conclusively. Therefore, this variant has been classified as Likely Pathogenic.

Literature cited by the submitters: PubMed 16199547; PubMed 23228021.

NM_006348.5(COG5):c.418-2A>C

Gene: COG5 (component of oligomeric golgi complex 5; minus strand). Cytogenetic location: 7q22.3.
Variant type: single nucleotide variant.
Coding change: c.418-2A>C on transcript NM_006348.5 (MANE Select); the canonical splice acceptor site of the intron before coding-DNA position 418, A replaced by C.
Molecular consequence: splice acceptor variant. On other transcripts: intron variant (1).
Genome position (GRCh38, 1-based): chr7:107,527,359, T>G on the plus strand (A>C on the coding strand, the complement: COG5 is on the minus strand). VCF-style: chr7-107527359-T-G. GRCh37 (hg19) VCF-style: chr7-107167804-T-G.
Other names: c.234+30617A>C (NM_001379516.1); c.418-2A>C (NM_001379515.1, NM_001379511.1, NM_001379512.1 and 4 more transcripts).
Identifiers: ClinVar variation 2756427 (VCV002756427.3), dbSNP rs1800848531, ClinGen allele CA368828301.